The following is an entry in ClinVar:

NM_004722.4(AP4M1):c.802C>T (p.Arg268Ter)

Gene: AP4M1 (adaptor related protein complex 4 subunit mu 1; plus strand). Cytogenetic location: 7q22.1.
Variant type: single nucleotide variant.
Coding change: c.802C>T on transcript NM_004722.4 (MANE Select); coding-DNA position 802, C replaced by T.
Protein change: p.Arg268Ter; replaces arginine 268 with a stop codon.
Molecular consequence: nonsense.
Genome position (GRCh38, 1-based): chr7:100,105,314, C>T. VCF-style: chr7-100105314-C-T. GRCh37 (hg19) VCF-style: chr7-99702937-C-T.
Other names: c.823C>T, p.Arg275Ter (NM_001363671.2); short protein forms R268*, R275*.
Identifiers: ClinVar variation 522944 (VCV000522944.9), dbSNP rs780030221, ClinGen allele CA4374799.
Genomic context (GRCh38, chr7:100,105,314, plus strand): 5'-ATCCGGGTCGATGAAGTCTCGTTTCACAGCTCTGTGAATCTGGACGAATTTGAGTCTCAT[C>T]GAATCCTCCGCTTGCAACCACCTCAGGGCGAGGTCAGGGTTGGGGTGGCCTCATAAATTC-3'

ClinVar aggregate classification (germline): Pathogenic. Review status: criteria provided, multiple submitters, no conflicts (2 of 4 stars). 4 submissions from 4 submitters: Pathogenic (3). 1 of the submissions does not count toward it. Last evaluated 2022-05-22.

Conditions:
Spastic paraplegia. Identifiers: MedGen C0037772, HP:0001258.
Hereditary spastic paraplegia 50 (SPG50). Also called: Spastic paraplegia 50, autosomal recessive. Identifiers: Orphanet 280763, MedGen C2752008, MONDO:0013048, OMIM 612936.

Allele frequency attached by ClinVar (database versions not stated): ExAC 0.00001; gnomAD exomes 0.00001; TOPMed 0.00001.

Submissions (4):

3billion
Classification: Pathogenic for Hereditary spastic paraplegia 50. Last evaluated: 2022-05-22. Review status: criteria provided, single submitter. Criteria: ACMG Guidelines, 2015. Collection method: clinical testing. Allele origin: germline. Affected: yes. Observed: 1 homozygote.
Comment: Stop-gained (nonsense): predicted to result in a loss or disruption of normal protein function through nonsense-mediated decay (NMD) or protein truncation. Multiple pathogenic variants are reported downstream of the variant. The variant is observed at an extremely low frequency in the gnomAD v2.1.1 dataset (total allele frequency: <0.001%). The variant has been reported to be associated with AP4M1 related disorder (ClinVar ID: VCV000522944). Therefore, this variant is classified as pathogenic according to the recommendation of ACMG/AMP guideline.

Genomic Research Center, Shahid Beheshti University of Medical Sciences
Classification: Pathogenic for Hereditary spastic paraplegia 50. Last evaluated: 2017-12-18. Review status: criteria provided, single submitter. Criteria: ACMG Guidelines, 2015. Collection method: clinical testing. Allele origin: inherited. Affected: yes.

Juno Genomics, Hangzhou Juno Genomics, Inc
Classification: Pathogenic for Hereditary spastic paraplegia 50. Review status: criteria provided, single submitter. Criteria: ACMG Guidelines, 2015. Collection method: clinical testing. Allele origin: germline. Affected: yes.
Comment: Absent from controls (or at extremely low frequency if recessive) in Genome Aggregation Database.;Null variant in a gene where loss of function (LOF) is a known mechanism of disease.;For recessive disorders, detected in trans with a pathogenic variant.;Co-segregation with disease in multiple affected family members.;Patient's phenotype or family history is highly specific for a disease with a single genetic etiology.

Yale Center for Mendelian Genomics, Yale University
Classification: Likely pathogenic for Spastic paraplegia. Last evaluated: 2020-10-01. Review status: no assertion criteria provided. Collection method: literature only. Allele origin: germline. Affected: yes. Observed: 2 homozygotes. Study: Yale Center for Mendelian Genomics. Not counted in ClinVar's aggregate classification.

Literature cited by the submitters: PubMed 32979048 (cited by Yale Center for Mendelian Genomics, Yale University).